The following is an entry in ClinVar:

NM_024757.5(EHMT1):c.2993C>G (p.Ser998Trp)

Gene: EHMT1 (euchromatic histone lysine methyltransferase 1; plus strand). Cytogenetic location: 9q34.3.
Variant type: single nucleotide variant.
Coding change: c.2993C>G on transcript NM_024757.5 (MANE Select); coding-DNA position 2993, C replaced by G.
Protein change: p.Ser998Trp; replaces serine 998 with tryptophan.
Molecular consequence: missense variant.
Genome position (GRCh38, 1-based): chr9:137,813,131, C>G. VCF-style: chr9-137813131-C-G. GRCh37 (hg19) VCF-style: chr9-140707583-C-G.
Other names: c.2972C>G, p.Ser991Trp (NM_001354263.2); short protein forms S991W, S998W.
Identifiers: ClinVar variation 1723627 (VCV001723627.2), dbSNP rs758862496, ClinGen allele CA201843295.

ClinVar aggregate classification (germline): Uncertain significance (1 of 4 stars; one submission).

Allele frequency attached by ClinVar (database versions not stated): gnomAD 0.00001.
gnomAD v4.1: 2 of 1,612,194 alleles (0.00012%); highest among the groups gnomAD compares: Non-Finnish European, 0.00017%; no homozygotes.

Submission:

GeneDx
Classification: Uncertain significance. Last evaluated: 2022-11-08. Review status: criteria provided, single submitter. Criteria: GeneDx Variant Classification Process June 2021. Collection method: clinical testing. Allele origin: germline. Affected: yes.
Comment: Not observed at significant frequency in large population cohorts (gnomAD); In silico analysis supports that this missense variant has a deleterious effect on protein structure/function; Has not been previously published as pathogenic or benign to our knowledge